The following is an entry in ClinVar:

ClinVar aggregate classification (germline): Uncertain significance (1 of 4 stars; one submission).

Submission:

Women's Health and Genetics/Laboratory Corporation of America, LabCorp
Classification: Uncertain significance. Last evaluated: 2024-06-05. Review status: criteria provided, single submitter. Criteria: LabCorp Variant Classification Summary - May 2015. Collection method: clinical testing. Allele origin: germline.
Comment: Variant summary: CFTR c.1977_1985delTTCAATCCT (p.Asn659_Leu662delinsLys) results in an in-frame deletion-insertion that is predicted to delete 4 and insert 1 amino acid(s) in the protein. The variant was absent in 250630 control chromosomes. The available data on variant occurrences in the general population are insufficient to allow any conclusion about variant significance. c.1977_1985delTTCAATCCT has been reported in the literature in the heterozygous state (2nd allele not specified) in at least 1 individual affected with Cystic Fibrosis (example, Raraigh_2022). These report(s) do not provide unequivocal conclusions about association of the variant with Cystic Fibrosis. To our knowledge, no experimental evidence demonstrating an impact on protein function has been reported. The following publication has been ascertained in the context of this evaluation (PMID: 34782259). No submitters have cited clinical-significance assessments for this variant to ClinVar. Based on the evidence outlined above, the variant was classified as uncertain significance.

Literature cited by the submitters: PubMed 34782259.

NM_000492.4(CFTR):c.1977_1985del (p.Asn659_Leu662delinsLys)

Gene: CFTR (CF transmembrane conductance regulator; plus strand). Cytogenetic location: 7q31.2.
Variant type: Deletion.
Coding change: c.1977_1985del on transcript NM_000492.4 (MANE Select); coding-DNA positions 1977 to 1985, 9 bases deleted (TTCAATCCT; older notation c.1977_1985delTTCAATCCT).
Protein change: p.Asn659_Leu662delinsLys.
Molecular consequence: inframe indel.
Genome position (GRCh38, 1-based): chr7:117,592,144-117,592,152, TTCAATCCT deleted. VCF-style (leftmost placement, unchanged base first): chr7-117592143-ATTCAATCCT-A. GRCh37 (hg19) VCF-style: chr7-117232197-ATTCAATCCT-A.
Other names: c.1977_1985delTTCAATCCT (NM_000492.4).
Identifiers: ClinVar variation 3339743 (VCV003339743.1).